The following is an entry in ClinVar:

NM_001036.6(RYR3):c.3100A>G (p.Arg1034Gly)

Gene: RYR3 (ryanodine receptor 3; plus strand). Cytogenetic location: 15q14.
Variant type: single nucleotide variant.
Coding change: c.3100A>G on transcript NM_001036.6 (MANE Select); coding-DNA position 3100, A replaced by G.
Protein change: p.Arg1034Gly; replaces arginine 1034 with glycine.
Molecular consequence: missense variant.
Genome position (GRCh38, 1-based): chr15:33,634,658, A>G. VCF-style: chr15-33634658-A-G. GRCh37 (hg19) VCF-style: chr15-33926859-A-G.
Other names: c.3100A>G, p.Arg1034Gly (NM_001243996.4); short protein forms R1034G.
Identifiers: ClinVar variation 1004466 (VCV001004466.8), dbSNP rs376346877, ClinGen allele CA7458614.
Genomic context (GRCh38, chr15:33,634,658, plus strand): 5'-AAAAGAAATCCCCGTCTGGTGCCATATGCATTACTGGATGAGCGTACCAAGAAGTCAAAC[A>G]GGGACAGCCTGCGGGAAGCTGTGCGCACTTTTGTTGGTTACGGGTATAACATTGAGCCAT-3'
Protein context (NP_001027.3, residues 1024-1044): LLDERTKKSN[Arg1034Gly]DSLREAVRTF

ClinVar aggregate classification (germline): Uncertain significance (1 of 4 stars; one submission).

Conditions:
Epileptic encephalopathy. Identifiers: MedGen C0543888, HP:0200134.

Allele frequency attached by ClinVar (database versions not stated): gnomAD exomes below 0.00001; ExAC 0.00001; gnomAD 0.00001; TOPMed 0.00001; ESP Exome Variant Server 0.00008.
gnomAD v4.1: 1 of 1,613,874 alleles (0.000062%); highest among the groups gnomAD compares: African/African-American, 0.0013%; no homozygotes.

Submission:

Labcorp Genetics (formerly Invitae), Labcorp
Classification: Uncertain significance for Epileptic encephalopathy. Last evaluated: 2020-07-21. Review status: criteria provided, single submitter. Criteria: Invitae Variant Classification Sherloc (09022015). Collection method: clinical testing. Allele origin: germline.
Comment: In summary, the available evidence is currently insufficient to determine the role of this variant in disease. Therefore, it has been classified as a Variant of Uncertain Significance. Algorithms developed to predict the effect of missense changes on protein structure and function are either unavailable or do not agree on the potential impact of this missense change (SIFT: "Deleterious"; PolyPhen-2: "Benign"; Align-GVGD: "Class C65"). This variant has not been reported in the literature in individuals with RYR3-related conditions. This variant is present in population databases (rs376346877, ExAC 0.01%). This sequence change replaces arginine with glycine at codon 1034 of the RYR3 protein (p.Arg1034Gly). The arginine residue is highly conserved and there is a moderate physicochemical difference between arginine and glycine.